The following is an entry in ClinVar:

ClinVar aggregate classification (germline): Uncertain significance (1 of 4 stars; one submission).

Conditions:
Autosomal dominant childhood-onset proximal spinal muscular atrophy with contractures (SMALED2A). Also called: Spinal muscular atrophy, lower extremity-predominant, 2A, autosomal dominant; SPINAL MUSCULAR ATROPHY, LOWER EXTREMITY-PREDOMINANT, 2A, CHILDHOOD ONSET, AUTOSOMAL DOMINANT. Identifiers: Orphanet 363447, Orphanet 363454, MedGen C4747715, MONDO:0014121, OMIM 615290.

Submission:

Labcorp Genetics (formerly Invitae), Labcorp
Classification: Uncertain significance for Autosomal dominant childhood-onset proximal spinal muscular atrophy with contractures. Last evaluated: 2024-03-27. Review status: criteria provided, single submitter. Criteria: Invitae Variant Classification Sherloc (09022015). Collection method: clinical testing. Allele origin: germline.
Comment: This sequence change replaces leucine, which is neutral and non-polar, with histidine, which is basic and polar, at codon 481 of the BICD2 protein (p.Leu481His). This variant is not present in population databases (gnomAD no frequency). This variant has not been reported in the literature in individuals affected with BICD2-related conditions. Advanced modeling of protein sequence and biophysical properties (such as structural, functional, and spatial information, amino acid conservation, physicochemical variation, residue mobility, and thermodynamic stability) performed at Invitae indicates that this missense variant is expected to disrupt BICD2 protein function with a positive predictive value of 80%. In summary, the available evidence is currently insufficient to determine the role of this variant in disease. Therefore, it has been classified as a Variant of Uncertain Significance.

NM_001003800.2(BICD2):c.1442T>A (p.Leu481His)

Gene: BICD2 (BICD cargo adaptor 2; minus strand). Cytogenetic location: 9q22.31.
Variant type: single nucleotide variant.
Coding change: c.1442T>A on transcript NM_001003800.2 (MANE Select); coding-DNA position 1442, T replaced by A.
Protein change: p.Leu481His; replaces leucine 481 with histidine.
Molecular consequence: missense variant.
Genome position (GRCh38, 1-based): chr9:92,719,203, A>T on the plus strand (T>A on the coding strand, the complement: BICD2 is on the minus strand). VCF-style: chr9-92719203-A-T. GRCh37 (hg19) VCF-style: chr9-95481485-A-T.
Other names: c.1442T>A, p.Leu481His (NM_015250.4); short protein forms L481H.
Identifiers: ClinVar variation 3719639 (VCV003719639.2).